The following is an entry in ClinVar:

ClinVar aggregate classification (germline): Benign/Likely benign. Review status: criteria provided, multiple submitters, no conflicts (2 of 4 stars). 3 submissions from 3 submitters: Benign (1); Likely benign (2). Last evaluated 2025-01-17.

Conditions:
Hereditary cancer-predisposing syndrome. Also called: Neoplastic Syndromes, Hereditary; Tumor predisposition; Hereditary neoplastic syndrome; Hereditary Cancer Syndrome. Identifiers: Orphanet 140162, MedGen C0027672, MeSH D009386, MONDO:0015356.
Familial cancer of breast. Also called: Hereditary breast cancer; hereditary breast carcinoma; BREAST CANCER, FAMILIAL. Identifiers: Orphanet 227535, MedGen C0346153, MONDO:0016419, OMIM 114480. Disease mechanism: loss of function.
Ataxia-telangiectasia syndrome (AT). Also called: Ataxia telangiectasia (A-T); ATAXIA-TELANGIECTASIA, COMPLEMENTATION GROUP A; ATAXIA-TELANGIECTASIA, FRESNO VARIANT; Ataxia-telangiectasia; Ataxia-telangiectasia, complementation group E; Cerebello-oculocutaneous telangiectasia. Identifiers: Orphanet 100, MedGen C0004135, MONDO:0008840, OMIM 208900.

Submissions (3):

Ambry Genetics
Classification: Likely benign for Hereditary cancer-predisposing syndrome. Last evaluated: 2025-01-17. Review status: criteria provided, single submitter. Criteria: Ambry Variant Classification Scheme 2023. Collection method: clinical testing. Allele origin: germline.

Myriad Genetics, Inc.
Classification: Benign for Familial cancer of breast. Last evaluated: 2024-05-13. Review status: criteria provided, single submitter. Criteria: Myriad Autosomal Dominant, Autosomal Recessive and X-Linked Classification Criteria (2023). Collection method: clinical testing. Allele origin: unknown.
Comment: This variant is considered benign. This variant is a silent/synonymous amino acid change and it is not expected to impact splicing.

Labcorp Genetics (formerly Invitae), Labcorp
Classification: Likely benign for Ataxia-telangiectasia syndrome. Last evaluated: 2023-09-20. Review status: criteria provided, single submitter. Criteria: Invitae Variant Classification Sherloc (09022015). Collection method: clinical testing. Allele origin: germline.

NM_000051.4(ATM):c.3201C>T (p.Asp1067=)

Gene: ATM (ATM serine/threonine kinase; plus strand). Cytogenetic location: 11q22.3.
Variant type: single nucleotide variant.
Coding change: c.3201C>T on transcript NM_000051.4 (MANE Select); coding-DNA position 3201, C replaced by T.
Protein change: p.Asp1067=; no amino-acid change (aspartic acid 1067 retained).
Molecular consequence: synonymous variant.
Genome position (GRCh38, 1-based): chr11:108,272,769, C>T. VCF-style: chr11-108272769-C-T. GRCh37 (hg19) VCF-style: chr11-108143496-C-T.
Other names: c.3201C>T, p.Asp1067= (NM_001351834.2); c.3201C>T (NM_000051.3).
Identifiers: ClinVar variation 1548675 (VCV001548675.10), dbSNP rs1188674152, ClinGen allele CA476745099.
Genomic context (GRCh38, chr11:108,272,769, plus strand): 5'-TCTTTTCCCGTAGGCTGATCCTTATTCAAAATGGGCCATTCTTAATGTAATGGGAAAAGA[C>T]TTTCCTGTAAATGAAGTATTTACACAATTTCTTGCTGACAATCATCACCAAGTTCGCATG-3'
Protein context (NP_000042.3, residues 1057-1077): KWAILNVMGK[Asp1067=]FPVNEVFTQF